The following is an entry in ClinVar:

NM_004456.5(EZH2):c.2213C>A (p.Ala738Asp)

Gene: EZH2 (enhancer of zeste 2 polycomb repressive complex 2 subunit; minus strand). Cytogenetic location: 7q36.1.
Variant type: single nucleotide variant.
Coding change: c.2213C>A on transcript NM_004456.5 (MANE Select); coding-DNA position 2213, C replaced by A.
Protein change: p.Ala738Asp; replaces alanine 738 with aspartic acid.
Molecular consequence: missense variant.
Genome position (GRCh38, 1-based): chr7:148,807,689, G>T on the plus strand (C>A on the coding strand, the complement: EZH2 is on the minus strand). VCF-style: chr7-148807689-G-T. GRCh37 (hg19) VCF-style: chr7-148504781-G-T.
Other names: c.2198C>A, p.Ala733Asp (NM_001203247.2); c.2171C>A, p.Ala724Asp (NM_001203248.2); c.2045C>A, p.Ala682Asp (NM_001203249.2); c.2081C>A, p.Ala694Asp (NM_152998.3); short protein forms A738D, A733D, A682D, A694D, A724D.
Identifiers: ClinVar variation 430846 (VCV000430846.3), dbSNP rs1131692184, ClinGen allele CA16616758.

ClinVar aggregate classification (germline): Likely pathogenic (0 of 4 stars; one submission).

Conditions:
Weaver syndrome (WVS). Also called: Weaver Smith syndrome; Overgrowth syndrome with accelerated skeletal maturation, unusual facies, and camptodactyly. Identifiers: Orphanet 3447, MedGen C0265210, MONDO:0010193, OMIM 277590.

Submission:

Institute of Human Genetics, University of Goettingen
Classification: Likely pathogenic for Weaver syndrome. Last evaluated: 2017-07-18. Review status: no assertion criteria provided. Collection method: clinical testing. Allele origin: de novo. Inheritance: Autosomal dominant inheritance. Affected: yes. Observed: 1 variant allele, 1 heterozygote.
Comment: de novo mutation